The following is an entry in ClinVar:

NM_020719.3(PRR12):c.521del (p.Pro174fs)

Gene: PRR12 (proline rich 12; plus strand). Cytogenetic location: 19q13.33.
Variant type: Deletion.
Coding change: c.521del on transcript NM_020719.3 (MANE Select); coding-DNA position 521, one base deleted (C; older notation c.521delC).
Protein change: p.Pro174fs; shifts the reading frame from proline 174.
Molecular consequence: frameshift variant.
Genome position (GRCh38, 1-based): chr19:49,594,856, C deleted; the last of 6 consecutive C bases (chr19:49,594,851-49,594,856); deleting any one gives the same sequence. VCF-style (leftmost placement, unchanged base first): chr19-49594850-AC-A. GRCh37 (hg19) VCF-style: chr19-50098107-AC-A.
Other names: short protein forms P174fs.
Identifiers: ClinVar variation 3061967 (VCV003061967.1), dbSNP rs2514269634, ClinGen allele CA2586404866.
Genomic context (GRCh38, chr19:49,594,850, plus strand): 5'-AACACCCGGCTTCCTTCGGCAGCCGCCCCTTCCCAGTGCCCTCGTCCCTCAGCCTCCAGG[AC>A]CCCCCATTCAGCCCTCCAGCTAACGGGCTCCTGTCCCCTCATGACGTGCTGCACCTGAAG-3'

ClinVar aggregate classification (germline): Pathogenic (1 of 4 stars; one submission).

Conditions:
Neuroocular syndrome. Identifiers: MedGen C5551362, MONDO:0859193.

Submission:

Institute of Human Genetics, FAU Erlangen, Friedrich-Alexander-Universität Erlangen-Nürnberg
Classification: Pathogenic for Neuroocular syndrome. Last evaluated: 2024-03-15. Review status: criteria provided, single submitter. Criteria: Hauer et al. (Genet Med. 2018). Collection method: clinical testing. Allele origin: germline. Inheritance: Autosomal dominant inheritance. Affected: yes. Observed: 1 variant allele.
Comment: This variant has been identified by standard clinical testing. Selected ACMG criteria: Pathogenic (I):PP4;PM2;PVS1